The following is an entry in ClinVar:

ClinVar aggregate classification (germline): Uncertain significance (1 of 4 stars; one submission).

Conditions:
Peroxisome biogenesis disorder 11A (Zellweger). Also called: Peroxisome biogenesis disorder 11A. Identifiers: Orphanet 912, MedGen C3554000, MONDO:0013949, OMIM 614883.

gnomAD v4.1: 2 of 1,550,544 alleles (0.00013%); highest among the groups gnomAD compares: Non-Finnish European, 0.00017%; no homozygotes.

Submission:

Labcorp Genetics (formerly Invitae), Labcorp
Classification: Uncertain significance for Peroxisome biogenesis disorder 11A (Zellweger). Last evaluated: 2022-05-08. Review status: criteria provided, single submitter. Criteria: Invitae Variant Classification Sherloc (09022015). Collection method: clinical testing. Allele origin: germline.
Comment: In summary, the available evidence is currently insufficient to determine the role of this variant in disease. Therefore, it has been classified as a Variant of Uncertain Significance. Algorithms developed to predict the effect of missense changes on protein structure and function (SIFT, PolyPhen-2, Align-GVGD) all suggest that this variant is likely to be tolerated. This variant has not been reported in the literature in individuals affected with PEX13-related conditions. This variant is not present in population databases (gnomAD no frequency). This sequence change replaces glycine, which is neutral and non-polar, with glutamic acid, which is acidic and polar, at codon 23 of the PEX13 protein (p.Gly23Glu).

NM_002618.4(PEX13):c.68G>A (p.Gly23Glu)

Genes: PEX13 (peroxisomal biogenesis factor 13; plus strand), PUS10 (pseudouridine synthase 10; minus strand). Cytogenetic location: 2p15.
Variant type: single nucleotide variant.
Coding change: c.68G>A on transcript NM_002618.4 (MANE Select); coding-DNA position 68, G replaced by A.
Protein change: p.Gly23Glu; replaces glycine 23 with glutamic acid.
Molecular consequence: missense variant. On other transcripts: intron variant (2).
Genome position (GRCh38, 1-based): chr2:61,017,827, G>A. VCF-style: chr2-61017827-G-A. GRCh37 (hg19) VCF-style: chr2-61244962-G-A.
Other names: c.-16+181C>T (NM_144709.4); c.-623+181C>T (NM_001322127.1); short protein forms G23E.
Identifiers: ClinVar variation 1908974 (VCV001908974.5), dbSNP rs936098967, ClinGen allele CA346937109.